The following is an entry in ClinVar:

NM_001458.5(FLNC):c.1067G>A (p.Gly356Asp)

Gene: FLNC (filamin C; plus strand). Cytogenetic location: 7q32.1.
Variant type: single nucleotide variant.
Coding change: c.1067G>A on transcript NM_001458.5 (MANE Select); coding-DNA position 1067, G replaced by A.
Protein change: p.Gly356Asp; replaces glycine 356 with aspartic acid.
Molecular consequence: missense variant.
Genome position (GRCh38, 1-based): chr7:128,838,286, G>A. VCF-style: chr7-128838286-G-A. GRCh37 (hg19) VCF-style: chr7-128478340-G-A.
Other names: c.1067G>A, p.Gly356Asp (NM_001127487.2); short protein forms G356D.
Identifiers: ClinVar variation 2939183 (VCV002939183.3), dbSNP rs2536620874, ClinGen allele CA369223583.

ClinVar aggregate classification (germline): Uncertain significance (1 of 4 stars; one submission).

Conditions:
Hypertrophic cardiomyopathy 26. Also called: Cardiomyopathy, familial hypertrophic, 26. Identifiers: Orphanet 75249, MedGen C4310749, MONDO:0014883, OMIM 617047.
Myofibrillar myopathy 5. Also called: Filaminopathy (type); FILAMINOPATHY, AUTOSOMAL DOMINANT. Identifiers: Orphanet 171445, MedGen C1836050, MONDO:0012289, OMIM 609524.
Distal myopathy with posterior leg and anterior hand involvement. Also called: WILLIAMS DISTAL MYOPATHY. Identifiers: Orphanet 63273, MedGen C3279722, MONDO:0013550, OMIM 614065.

Submission:

Labcorp Genetics (formerly Invitae), Labcorp
Classification: Uncertain significance for Distal myopathy with posterior leg and anterior hand involvement; Myofibrillar myopathy 5; Hypertrophic cardiomyopathy 26. Last evaluated: 2023-08-25. Review status: criteria provided, single submitter. Criteria: Invitae Variant Classification Sherloc (09022015). Collection method: clinical testing. Allele origin: germline.
Comment: In summary, the available evidence is currently insufficient to determine the role of this variant in disease. Therefore, it has been classified as a Variant of Uncertain Significance. Advanced modeling of protein sequence and biophysical properties (such as structural, functional, and spatial information, amino acid conservation, physicochemical variation, residue mobility, and thermodynamic stability) has been performed at Invitae for this missense variant, however the output from this modeling did not meet the statistical confidence thresholds required to predict the impact of this variant on FLNC protein function. This variant has not been reported in the literature in individuals affected with FLNC-related conditions. This variant is not present in population databases (gnomAD no frequency). This sequence change replaces glycine, which is neutral and non-polar, with aspartic acid, which is acidic and polar, at codon 356 of the FLNC protein (p.Gly356Asp).